The following is an entry in ClinVar:

ClinVar aggregate classification (germline): Pathogenic (1 of 4 stars; one submission).

Conditions:
Autoimmune lymphoproliferative syndrome type 1. Also called: AUTOIMMUNE LYMPHOPROLIFERATIVE SYNDROME, TYPE I, AUTOSOMAL DOMINANT. Identifiers: Orphanet 3261, MedGen C2717884, MONDO:0011158, OMIM 601859.

Submission:

Labcorp Genetics (formerly Invitae), Labcorp
Classification: Pathogenic for Autoimmune lymphoproliferative syndrome. Last evaluated: 2022-03-19. Review status: criteria provided, single submitter. Criteria: Invitae Variant Classification Sherloc (09022015). Collection method: clinical testing. Allele origin: germline.
Comment: For these reasons, this variant has been classified as Pathogenic. ClinVar contains an entry for this variant (Variation ID: 580709). This variant has not been reported in the literature in individuals affected with FAS-related conditions. This variant is not present in population databases (gnomAD no frequency). This sequence change creates a premature translational stop signal (p.Leu37*) in the FAS gene. It is expected to result in an absent or disrupted protein product. Loss-of-function variants in FAS are known to be pathogenic (PMID: 10875918, 22237435).

Literature cited by the submitters: PubMed 10875918; PubMed 22237435.

NM_000043.6(FAS):c.110T>A (p.Leu37Ter)

Gene: FAS (Fas cell surface death receptor; plus strand). Cytogenetic location: 10q23.31.
Variant type: single nucleotide variant.
Coding change: c.110T>A on transcript NM_000043.6 (MANE Select); coding-DNA position 110, T replaced by A.
Protein change: p.Leu37Ter; replaces leucine 37 with a stop codon.
Molecular consequence: nonsense. On other transcripts: non-coding transcript variant (7).
Genome position (GRCh38, 1-based): chr10:89,003,108, T>A. VCF-style: chr10-89003108-T-A. GRCh37 (hg19) VCF-style: chr10-90762865-T-A.
Other names: c.110T>A, p.Leu37Ter (NM_001320619.2, NM_152871.4, NM_152872.4); short protein forms L37*.
Identifiers: ClinVar variation 580709 (VCV000580709.6), dbSNP rs1564686301, ClinGen allele CA377507479.